The following is an entry in ClinVar:

ClinVar aggregate classification (germline): Uncertain significance (1 of 4 stars; one submission).

Allele frequency attached by ClinVar (database versions not stated): ExAC 0.00001; TOPMed 0.00002; gnomAD 0.00003.
gnomAD v4.1: 8 of 1,612,180 alleles (0.0005%); highest among the groups gnomAD compares: African/African-American, 0.0027%; no homozygotes.

Submission:

Labcorp Genetics (formerly Invitae), Labcorp
Classification: Uncertain significance. Last evaluated: 2025-11-05. Review status: criteria provided, single submitter. Criteria: Invitae Variant Classification Sherloc (09022015). Collection method: clinical testing. Allele origin: germline.
Comment: This sequence change replaces glutamic acid, which is acidic and polar, with lysine, which is basic and polar, at codon 654 of the PDE6B protein (p.Glu654Lys). This variant is present in population databases (rs766224891, gnomAD 0.004%). This variant has not been reported in the literature in individuals affected with PDE6B-related conditions. ClinVar contains an entry for this variant (Variation ID: 1475912). Invitae Evidence Modeling of protein sequence and biophysical properties (such as structural, functional, and spatial information, amino acid conservation, physicochemical variation, residue mobility, and thermodynamic stability) indicates that this missense variant is not expected to disrupt PDE6B protein function with a negative predictive value of 80%. In summary, the available evidence is currently insufficient to determine the role of this variant in disease. Therefore, it has been classified as a Variant of Uncertain Significance.

NM_000283.4(PDE6B):c.1960G>A (p.Glu654Lys)

Gene: PDE6B (phosphodiesterase 6B; plus strand). Cytogenetic location: 4p16.3.
Variant type: single nucleotide variant.
Coding change: c.1960G>A on transcript NM_000283.4 (MANE Select); coding-DNA position 1960, G replaced by A.
Protein change: p.Glu654Lys; replaces glutamic acid 654 with lysine.
Molecular consequence: missense variant.
Genome position (GRCh38, 1-based): chr4:663,809, G>A. VCF-style: chr4-663809-G-A. GRCh37 (hg19) VCF-style: chr4-657598-G-A.
Other names: c.1960G>A, p.Glu654Lys (NM_001145291.2); c.1123G>A, p.Glu375Lys (NM_001145292.2, NM_001350154.3, NM_001379246.1 and 1 more transcripts); c.805G>A, p.Glu269Lys (NM_001350155.3); short protein forms E269K, E375K, E654K.
Identifiers: ClinVar variation 1475912 (VCV001475912.8), dbSNP rs766224891, ClinGen allele CA2794793.